The following is an entry in ClinVar:

ClinVar aggregate classification (germline): Pathogenic. Review status: criteria provided, multiple submitters, no conflicts (2 of 4 stars). 2 submissions from 2 submitters: Pathogenic (2). Last evaluated 2026-01-08.

Conditions:
Zellweger spectrum disorders (ZS). Also called: Zellweger Spectrum Disorder; Zellweger Spectrum; Zellweger syndrome; Zellweger Spectrum Disorder (ZSD). Identifiers: Orphanet 912, MedGen C0043459, MONDO:0019609.

Submissions (2):

Natera, Inc.
Classification: Pathogenic for Zellweger syndrome. Last evaluated: 2026-01-08. Review status: criteria provided, single submitter. Criteria: Natera Variant Classification Schema (03/2026). Collection method: clinical testing. Allele origin: germline.
Comment: The c.2226+2T>C variant in PEX1 is a canonical splice donor site variant predicted to affect pre-mRNA splicing, which may result in an abnormal transcript and altered protein product. This variant is expected to result in nonsense mediated decay, truncation, or a dysfunctional protein product. This variant is rare in the general population with a frequency below the threshold expected for the associated phenotype(s). This variant has been observed in one or more individuals affected with the associated recessive disease, as either homozygous or compound heterozygous with a second variant (PMID: 21846392). Given the available evidence, this variant is classified as Pathogenic.

CeGaT Center for Human Genetics Tuebingen
Classification: Pathogenic. Last evaluated: 2017-02-01. Review status: criteria provided, single submitter. Criteria: CeGaT Center For Human Genetics Tuebingen Variant Classification Criteria Version 2. Collection method: clinical testing. Allele origin: germline. Affected: yes. Observed: 1 variant allele.

Literature cited by the submitters: PubMed 21846392 (cited by Natera, Inc.).

NM_000466.3(PEX1):c.2226+2T>C

Gene: PEX1 (peroxisomal biogenesis factor 1; minus strand). Cytogenetic location: 7q21.2.
Variant type: single nucleotide variant.
Coding change: c.2226+2T>C on transcript NM_000466.3 (MANE Select); the canonical splice donor site of the intron after coding-DNA position 2226, T replaced by C.
Molecular consequence: splice donor variant.
Genome position (GRCh38, 1-based): chr7:92,503,039, A>G on the plus strand (T>C on the coding strand, the complement: PEX1 is on the minus strand). VCF-style: chr7-92503039-A-G. GRCh37 (hg19) VCF-style: chr7-92132353-A-G.
Other names: c.2055+2T>C (NM_001282677.2); c.1602+2T>C (NM_001282678.2); c.2226+2T>C (NM_000466.2).
Identifiers: ClinVar variation 871124 (VCV000871124.42), dbSNP rs1792005848, ClinGen allele CA368180920.